The following is an entry in ClinVar:

NM_000215.4(JAK3):c.896T>C (p.Val299Ala)

Gene: JAK3 (Janus kinase 3; minus strand). Cytogenetic location: 19p13.11.
Variant type: single nucleotide variant.
Coding change: c.896T>C on transcript NM_000215.4 (MANE Select); coding-DNA position 896, T replaced by C.
Protein change: p.Val299Ala; replaces valine 299 with alanine.
Molecular consequence: missense variant.
Genome position (GRCh38, 1-based): chr19:17,841,728, A>G on the plus strand (T>C on the coding strand, the complement: JAK3 is on the minus strand). VCF-style: chr19-17841728-A-G. GRCh37 (hg19) VCF-style: chr19-17952537-A-G.
Other names: NM_000215.4(JAK3):c.896T>C; p.Val299Ala; short protein forms V299A.
Identifiers: ClinVar variation 891294 (VCV000891294.10), dbSNP rs571404212, ClinGen allele CA9302036.

ClinVar aggregate classification (germline): Uncertain significance. Review status: reviewed by expert panel (3 of 4 stars). 3 submissions from 3 submitters: Uncertain significance (1). 2 of the submissions do not count toward it. Last evaluated 2023-11-14.

Conditions:
T-B+ severe combined immunodeficiency due to JAK3 deficiency. Also called: SCID, autosomal recessive, T-negative/B-positive type; SCID, T CELL-NEGATIVE, B CELL-POSITIVE, NK CELL-NEGATIVE. Identifiers: Orphanet 35078, MedGen C1833275, MONDO:0010938, OMIM 600802.

Allele frequency attached by ClinVar (database versions not stated): gnomAD exomes 0.00001; ExAC 0.00002; gnomAD 0.00012; TOPMed 0.00014; 1000 Genomes Project 30x 0.00016; 1000 Genomes Project 0.00020.
gnomAD v4.1: 42 of 1,611,636 alleles (0.0026%); highest among the groups gnomAD compares: African/African-American, 0.048%; no homozygotes.

Submissions (3):

ClinGen Severe Combined Immunodeficiency Variant Curation Expert Panel, ClinGen
Classification: Uncertain significance for T-B+ severe combined immunodeficiency due to JAK3 deficiency. Last evaluated: 2023-11-14. Review status: reviewed by expert panel. Criteria: ClinGen SCID ACMG Specifications JAK3 V1.0.0. Collection method: curation. Allele origin: germline. Inheritance: Autosomal recessive inheritance.
Comment: The c.896T>C (NM_000215.4) variant in JAK3 is a missense variant predicted to cause the substitution of Valine by Alanine at amino acid 299 (p.Val299Ala). The filtering allele frequency (the upper threshold of the 95% CI of 7/24876) of the c.896T>C variant in JAK3 is 0.00002138 for African/African American chromosomes by gnomAD v2.1.1, which is lower than the ClinGen SCID VCEP threshold (<0.000115) for PM2_Supporting, and therefore meets this criterion (PM2_Supporting). To our knowledge, this variant has not been reported in the literature in individuals affected with JAK3-related conditions. In summary, this variant meets the criteria to be classified as Variant of Uncertain Significance for autosomal recessive SCID based on the ACMG/AMP criteria applied, as specified by the ClinGen SCID VCEP. Criteria applied: PM2_supporting. ( (VCEP specifications version 1.0).

Labcorp Genetics (formerly Invitae), Labcorp
Classification: Likely benign for T-B+ severe combined immunodeficiency due to JAK3 deficiency. Last evaluated: 2026-01-25. Review status: criteria provided, single submitter. Criteria: Invitae Variant Classification Sherloc (09022015). Collection method: clinical testing. Allele origin: germline. Not counted in ClinVar's aggregate classification.

Illumina Laboratory Services, Illumina
Classification: Uncertain significance for T-B+ severe combined immunodeficiency due to JAK3 deficiency. Last evaluated: 2018-01-13. Review status: criteria provided, single submitter. Criteria: ICSL Variant Classification Criteria 13 December 2019. Collection method: clinical testing. Allele origin: germline. Not counted in ClinVar's aggregate classification.